The following is an entry in ClinVar:

NM_001077350.3(NPRL3):c.1597G>A (p.Glu533Lys)

Gene: NPRL3 (NPR3 like, GATOR1 complex subunit; minus strand). Cytogenetic location: 16p13.3.
Variant type: single nucleotide variant.
Coding change: c.1597G>A on transcript NM_001077350.3 (MANE Select); coding-DNA position 1597, G replaced by A.
Protein change: p.Glu533Lys; replaces glutamic acid 533 with lysine.
Molecular consequence: missense variant.
Genome position (GRCh38, 1-based): chr16:86,818, C>T on the plus strand (G>A on the coding strand, the complement: NPRL3 is on the minus strand). VCF-style: chr16-86818-C-T. GRCh37 (hg19) VCF-style: chr16-136817-C-T.
Other names: c.1060G>A, p.Glu354Lys (NM_001039476.3); c.1363G>A, p.Glu455Lys (NM_001243247.2); c.1522G>A, p.Glu508Lys (NM_001243248.2, NM_001243249.2); short protein forms E354K, E455K, E508K, E533K.
Identifiers: ClinVar variation 2776218 (VCV002776218.3), dbSNP rs1319822209, ClinGen allele CA394045092.

ClinVar aggregate classification (germline): Uncertain significance (1 of 4 stars; one submission).

Conditions:
Epilepsy, familial focal, with variable foci 3 (FFEVF3). Identifiers: MedGen C4310708, MONDO:0014925, OMIM 617118.

Allele frequency attached by ClinVar (database versions not stated): gnomAD exomes below 0.00001; TOPMed 0.00001.
gnomAD v4.1: 2 of 1,613,338 alleles (0.00012%); highest among the groups gnomAD compares: African/African-American, 0.0013%; no homozygotes.

Submission:

Labcorp Genetics (formerly Invitae), Labcorp
Classification: Uncertain significance for Epilepsy, familial focal, with variable foci 3. Last evaluated: 2025-05-11. Review status: criteria provided, single submitter. Criteria: Invitae Variant Classification Sherloc (09022015). Collection method: clinical testing. Allele origin: germline.
Comment: This sequence change replaces glutamic acid, which is acidic and polar, with lysine, which is basic and polar, at codon 533 of the NPRL3 protein (p.Glu533Lys). This variant is not present in population databases (gnomAD no frequency). This variant has not been reported in the literature in individuals affected with NPRL3-related conditions. ClinVar contains an entry for this variant (Variation ID: 2776218). Invitae Evidence Modeling of protein sequence and biophysical properties (such as structural, functional, and spatial information, amino acid conservation, physicochemical variation, residue mobility, and thermodynamic stability) indicates that this missense variant is expected to disrupt NPRL3 protein function with a positive predictive value of 80%. In summary, the available evidence is currently insufficient to determine the role of this variant in disease. Therefore, it has been classified as a Variant of Uncertain Significance.